The following is an entry in ClinVar:

NM_000245.4(MET):c.645A>G (p.Ser215=)

Gene: MET (MET proto-oncogene, receptor tyrosine kinase; plus strand). Cytogenetic location: 7q31.2.
Variant type: single nucleotide variant.
Coding change: c.645A>G on transcript NM_000245.4 (MANE Select); coding-DNA position 645, A replaced by G.
Protein change: p.Ser215=; no amino-acid change (serine 215 retained).
Molecular consequence: synonymous variant. On other transcripts: intron variant (1).
Genome position (GRCh38, 1-based): chr7:116,699,729, A>G. VCF-style: chr7-116699729-A-G. GRCh37 (hg19) VCF-style: chr7-116339783-A-G.
Other names: c.645A>G, p.Ser215= (NM_001127500.3, NM_001324401.3); c.-91+27152A>G (NM_001324402.2).
Identifiers: ClinVar variation 3773140 (VCV003773140.2).
Genomic context (GRCh38, chr7:116,699,729, plus strand): 5'-CTTTGTAGGCAATACCATAAATTCTTCTTATTTCCCAGATCATCCATTGCATTCGATATC[A>G]GTGAGAAGGCTAAAGGAAACGAAAGATGGTTTTATGTTTTTGACGGACCAGTCCTACATT-3'
Protein context (NP_000236.2, residues 205-225): YFPDHPLHSI[Ser215=]VRRLKETKDG

ClinVar aggregate classification (germline): Benign/Likely benign. Review status: criteria provided, multiple submitters, no conflicts (2 of 4 stars). 2 submissions from 2 submitters: Benign (1); Likely benign (1). Last evaluated 2025-04-16.

Conditions:
Hereditary cancer-predisposing syndrome. Also called: Neoplastic Syndromes, Hereditary; Tumor predisposition; Hereditary Cancer Syndrome; Hereditary neoplastic syndrome. Identifiers: Orphanet 140162, MedGen C0027672, MeSH D009386, MONDO:0015356.
Papillary renal cell carcinoma type 1 (RCCP1). Also called: Renal adenocarcinoma; Renal cell carcinoma 1; Renal cell carcinoma, somatic; RENAL CELL CARCINOMA, PAPILLARY, 1, SOMATIC. Identifiers: Orphanet 47044, MedGen C1336839, OMIM 605074, HP:0011797.

Submissions (2):

Ambry Genetics
Classification: Likely benign for Hereditary cancer-predisposing syndrome. Last evaluated: 2025-04-16. Review status: criteria provided, single submitter. Criteria: Ambry Variant Classification Scheme 2023. Collection method: clinical testing. Allele origin: germline.

Myriad Genetics, Inc.
Classification: Benign for Papillary renal cell carcinoma type 1. Last evaluated: 2024-11-06. Review status: criteria provided, single submitter. Criteria: Myriad Autosomal Dominant, Autosomal Recessive and X-Linked Classification Criteria (2023). Collection method: clinical testing. Allele origin: unknown.
Comment: This variant is considered benign. This variant is a silent/synonymous amino acid change and it is not expected to impact splicing.